The following is an entry in ClinVar:

NM_001267550.2(TTN):c.84682C>T (p.Arg28228Cys)

Genes: TTN (titin; minus strand), TTN-AS1 (TTN antisense RNA 1; plus strand). Cytogenetic location: 2q31.2.
Variant type: single nucleotide variant.
Coding change: c.84682C>T on transcript NM_001267550.2 (MANE Select); coding-DNA position 84682, C replaced by T.
Protein change: p.Arg28228Cys; replaces arginine 28228 with cysteine.
Molecular consequence: missense variant.
Genome position (GRCh38, 1-based): chr2:178,561,450, G>A on the plus strand (C>T on the coding strand, the complement: TTN is on the minus strand). VCF-style: chr2-178561450-G-A. GRCh37 (hg19) VCF-style: chr2-179426177-G-A.
Other names: c.79759C>T, p.Arg26587Cys (NM_001256850.1); c.57487C>T, p.Arg19163Cys (NM_003319.4); c.76978C>T, p.Arg25660Cys (NM_133378.4); c.57862C>T, p.Arg19288Cys (NM_133432.3); c.58063C>T, p.Arg19355Cys (NM_133437.4); c.84682C>T (NM_001267550.1); short protein forms R19355C, R28228C, R19163C, R25660C, R19288C, R26587C.
Identifiers: ClinVar variation 892923 (VCV000892923.7), dbSNP rs776756769, ClinGen allele CA1988748.

ClinVar aggregate classification (germline): Conflicting classifications of pathogenicity. Review status: criteria provided, conflicting classifications (1 of 4 stars). 7 submissions from 3 submitters: Uncertain significance (5); Benign (1); Likely benign (1). Last evaluated 2024-05-01.

Conditions:
Cardiovascular phenotype. Identifiers: MedGen CN230736.
Early-onset myopathy with fatal cardiomyopathy (CMYO5). Also called: CONGENITAL MYOPATHY 5 WITH CARDIOMYOPATHY; Salih Myopathy. Identifiers: Orphanet 289377, MedGen C2673677, MONDO:0012714, OMIM 611705. Disease mechanism: loss of function.
Myopathy, myofibrillar, 9, with early respiratory failure (MFM9). Also called: EDSTROM MYOPATHY; MYOPATHY, PROXIMAL, WITH EARLY RESPIRATORY MUSCLE INVOLVEMENT; Myopathy, distal, with early respiratory failure, autosomal dominant; Hereditary myopathy with early respiratory failure. Identifiers: Orphanet 178464, Orphanet 34521, MedGen C1863599, MONDO:0011362, OMIM 603689.
Autosomal recessive limb-girdle muscular dystrophy type 2J (LGMDR10). Also called: Limb-girdle muscular dystrophy, type 2J; MUSCULAR DYSTROPHY, LIMB-GIRDLE, AUTOSOMAL RECESSIVE 10. Identifiers: Orphanet 140922, MedGen C1837342, MONDO:0012127, OMIM 608807.
Dilated cardiomyopathy 1G (CMD1G). Identifiers: Orphanet 154, MedGen C1858763, MONDO:0011400, OMIM 604145.
Tibial muscular dystrophy (TMD). Also called: Tibial muscular dystrophy, tardive; UDD MYOPATHY; Udd Distal Myopathy – Tibial Muscular Dystrophy. Identifiers: Orphanet 609, MedGen C1838244, MONDO:0010870, OMIM 600334.

Allele frequency attached by ClinVar (database versions not stated): gnomAD 0.00001; gnomAD exomes 0.00001 and 0.00002; ExAC 0.00002; TOPMed 0.00002.
gnomAD v4.1: 15 of 1,613,612 alleles (0.00093%); highest among the groups gnomAD compares: South Asian, 0.0022%; no homozygotes.

Submissions (7):

GeneDx
Classification: Uncertain significance. Last evaluated: 2024-05-01. Review status: criteria provided, single submitter. Criteria: GeneDx Variant Classification Process June 2021. Collection method: clinical testing. Allele origin: germline. Affected: yes.
Comment: Not observed at significant frequency in large population cohorts (gnomAD); Missense variant in a gene in which most reported pathogenic variants are truncating/loss of function; Has not been previously published as pathogenic or benign to our knowledge

Ambry Genetics
Classification: Uncertain significance for Cardiovascular phenotype. Last evaluated: 2020-03-16. Review status: criteria provided, single submitter. Criteria: Ambry Variant Classification Scheme 2023. Collection method: clinical testing. Allele origin: germline.
Comment: The p.R19163C variant (also known as c.57487C>T), located in coding exon 153 of the TTN gene, results from a C to T substitution at nucleotide position 57487. The arginine at codon 19163 is replaced by cysteine, an amino acid with highly dissimilar properties. This amino acid position is highly conserved in available vertebrate species. In addition, the in silico prediction for this alteration is inconclusive. Since supporting evidence is limited at this time, the clinical significance of this alteration remains unclear.

Illumina Laboratory Services, Illumina
Classification: Benign for Tibial muscular dystrophy. Last evaluated: 2018-01-13. Review status: criteria provided, single submitter. Criteria: ICSL Variant Classification Criteria 13 December 2019. Collection method: clinical testing. Allele origin: germline.
Comment: This variant was observed in the ICSL laboratory as part of a predisposition screen in an ostensibly healthy population. It had not been previously curated by ICSL or reported in the Human Gene Mutation Database (HGMD: prior to June 1st, 2018), and was therefore a candidate for classification through an automated scoring system. Utilizing variant allele frequency, disease prevalence and penetrance estimates, and inheritance mode, an automated score was calculated to assess if this variant is too frequent to cause the disease. Based on the score and internal cut-off values, a variant classified as benign is not then subjected to further curation. The score for this variant resulted in a classification of benign for this disease.

Illumina Laboratory Services, Illumina
Classification: Uncertain significance for Dilated cardiomyopathy 1G. Last evaluated: 2018-01-13. Review status: criteria provided, single submitter. Criteria: ICSL Variant Classification Criteria 13 December 2019. Collection method: clinical testing. Allele origin: germline.

Illumina Laboratory Services, Illumina
Classification: Uncertain significance for Autosomal recessive limb-girdle muscular dystrophy type 2J. Last evaluated: 2018-01-13. Review status: criteria provided, single submitter. Criteria: ICSL Variant Classification Criteria 13 December 2019. Collection method: clinical testing. Allele origin: germline.

Illumina Laboratory Services, Illumina
Classification: Uncertain significance for Early-onset myopathy with fatal cardiomyopathy. Last evaluated: 2018-01-13. Review status: criteria provided, single submitter. Criteria: ICSL Variant Classification Criteria 13 December 2019. Collection method: clinical testing. Allele origin: germline.

Illumina Laboratory Services, Illumina
Classification: Likely benign for Myopathy, myofibrillar, 9, with early respiratory failure. Last evaluated: 2018-01-13. Review status: criteria provided, single submitter. Criteria: ICSL Variant Classification Criteria 13 December 2019. Collection method: clinical testing. Allele origin: germline.
Comment: This variant was observed in the ICSL laboratory as part of a predisposition screen in an ostensibly healthy population. It had not been previously curated by ICSL or reported in the Human Gene Mutation Database (HGMD: prior to June 1st, 2018), and was therefore a candidate for classification through an automated scoring system. Utilizing variant allele frequency, disease prevalence and penetrance estimates, and inheritance mode, an automated score was calculated to assess if this variant is too frequent to cause the disease. Based on the score and internal cut-off values, a variant classified as likely benign is not then subjected to further curation. The score for this variant resulted in a classification of likely benign for this disease.